The following is an entry in ClinVar:

NM_006268.5(DPF2):c.88C>T (p.Arg30Cys)

Gene: DPF2 (double PHD fingers 2; plus strand). Cytogenetic location: 11q13.1.
Variant type: single nucleotide variant.
Coding change: c.88C>T on transcript NM_006268.5 (MANE Select); coding-DNA position 88, C replaced by T.
Protein change: p.Arg30Cys; replaces arginine 30 with cysteine.
Molecular consequence: missense variant.
Genome position (GRCh38, 1-based): chr11:65,340,440, C>T. VCF-style: chr11-65340440-C-T. GRCh37 (hg19) VCF-style: chr11-65107911-C-T.
Other names: c.88C>T, p.Arg30Cys (NM_001330308.2); short protein forms R30C.
Identifiers: ClinVar variation 3654366 (VCV003654366.2).
Genomic context (GRCh38, chr11:65,340,440, plus strand): 5'-TGCAGCCTTGGGGAGCAGTACTACAAAGATGCCATGGAGCAGTGCCACAATTACAATGCT[C>T]GCCTCTGTGCTGAGCGCAGCGTGCGCCTGCCTTTCTTGGACTCACAGACCGGAGTAGCCC-3'
Protein context (NP_006259.1, residues 20-40): AMEQCHNYNA[Arg30Cys]LCAERSVRLP

ClinVar aggregate classification (germline): Uncertain significance (1 of 4 stars; one submission).

gnomAD v4.1: 4 of 1,614,210 alleles (0.00025%); highest among the groups gnomAD compares: South Asian, 0.0022%; no homozygotes.

Submission:

Labcorp Genetics (formerly Invitae), Labcorp
Classification: Uncertain significance. Last evaluated: 2024-05-31. Review status: criteria provided, single submitter. Criteria: Invitae Variant Classification Sherloc (09022015). Collection method: clinical testing. Allele origin: germline.
Comment: This sequence change replaces arginine, which is basic and polar, with cysteine, which is neutral and slightly polar, at codon 30 of the DPF2 protein (p.Arg30Cys). This variant is present in population databases (no rsID available, gnomAD 0.006%). This variant has not been reported in the literature in individuals affected with DPF2-related conditions. An algorithm developed to predict the effect of missense changes on protein structure and function (PolyPhen-2) suggests that this variant is likely to be disruptive. In summary, the available evidence is currently insufficient to determine the role of this variant in disease. Therefore, it has been classified as a Variant of Uncertain Significance.